The following is an entry in ClinVar:

NM_014874.4(MFN2):c.1873-16A>T

Gene: MFN2 (mitofusin 2; plus strand). Cytogenetic location: 1p36.22.
Variant type: single nucleotide variant.
Coding change: c.1873-16A>T on transcript NM_014874.4 (MANE Select); 16 bases into the intron before coding-DNA position 1873, A replaced by T.
Molecular consequence: intron variant.
Genome position (GRCh38, 1-based): chr1:12,007,037, A>T. VCF-style: chr1-12007037-A-T. GRCh37 (hg19) VCF-style: chr1-12067094-A-T.
Other names: c.1873-16A>T (NM_001127660.2).
Identifiers: ClinVar variation 488919 (VCV000488919.10), dbSNP rs190961216, ClinGen allele CA599260.

ClinVar aggregate classification (germline): Conflicting classifications of pathogenicity. Review status: criteria provided, conflicting classifications (1 of 4 stars). 2 submissions from 2 submitters: Uncertain significance (1); Benign (1). Last evaluated 2026-01-03.

Conditions:
Charcot-Marie-Tooth disease type 2. Also called: Charcot-Marie-Tooth type 2. Identifiers: Orphanet 64746, MedGen C0270914, MONDO:0018993.

Allele frequency attached by ClinVar (database versions not stated): gnomAD 0.00003 and 0.00004; TOPMed 0.00006; 1000 Genomes Project 30x 0.00047; gnomAD exomes 0.00010 and 0.00005; ExAC 0.00012; 1000 Genomes Project 0.00040.
gnomAD v4.1: 38 of 1,612,836 alleles (0.0024%); highest among the groups gnomAD compares: Admixed American, 0.062%; no homozygotes.

Submissions (2):

Labcorp Genetics (formerly Invitae), Labcorp
Classification: Benign for Charcot-Marie-Tooth disease type 2. Last evaluated: 2026-01-03. Review status: criteria provided, single submitter. Criteria: Invitae Variant Classification Sherloc (09022015). Collection method: clinical testing. Allele origin: germline.

GeneDx
Classification: Uncertain significance. Last evaluated: 2018-02-02. Review status: criteria provided, single submitter. Criteria: GeneDx Variant Classification (06012015). Collection method: clinical testing. Allele origin: germline. Affected: yes.
Comment: The c.1873-16 A>T variant has not been published as a pathogenic variant, nor has it been reported as a benign variant to our knowledge. The c.1873-16 A>T variant is observed in 25/33,580 (0.07%) alleles from individuals of Latino background, in large population cohorts (Lek et al., 2016). In silico analyses, including splice predictors and evolutionary conservation, support that this variant does not alter protein structure/function. However, in the absence of RNA/functional studies, the actual effect of this sequence change in this individual is unknown. In summary, based on the currently available information, it is unclear whether this variant is a pathogenic variant or a rare benign variant.